The following is an entry in ClinVar:

NM_001035.3(RYR2):c.14053AAG[2] (p.Lys4687del)

Gene: RYR2 (ryanodine receptor 2; plus strand). Cytogenetic location: 1q43.
Variant type: Microsatellite.
Coding change: c.14053AAG[2] on transcript NM_001035.3 (MANE Select); two copies in a row of the 3-base unit AAG starting at c.14053; the reference has three copies in a row; one copy, 3 bases deleted; also written c.14059_14061del.
Protein change: p.Lys4687del; deletes lysine 4687.
Molecular consequence: inframe deletion.
Genome position (GRCh38, 1-based): chr1:237,798,139-237,798,141, AAG deleted; deleting any 3 consecutive bases within chr1:237,798,133-237,798,141 gives the same sequence; the position shown is the placement nearest the transcript's 3' end. VCF-style (leftmost placement, unchanged base first): chr1-237798132-AAAG-A. GRCh37 (hg19) VCF-style: chr1-237961432-AAAG-A.
Other names: c.14059_14061del (NM_001035.3); c.14059_14061delAAG (NM_001035.2); short protein forms K4687del.
Identifiers: ClinVar variation 928014 (VCV000928014.8), dbSNP rs1245102430, ClinGen allele CA529565545.
Genomic context (GRCh38, chr1:237,798,132, plus strand): 5'-CAGAATCAGTGAATTACTTGGCATGGACAAGGCAGCTCTGGACTTCAGTGATGCCAGAGA[AAAG>A]AAGAAGCCAAAGAAAGACAGCTCCTTATCAGCTGTGTAAGTGTTACTTCGGCTCTATCCT-3'

ClinVar aggregate classification (germline): Uncertain significance. Review status: criteria provided, multiple submitters, no conflicts (2 of 4 stars). 3 submissions from 3 submitters: Uncertain significance (3). Last evaluated 2025-09-22.

Conditions:
Cardiomyopathy (CMYO). Also called: Cardiomyopathies. Identifiers: Orphanet 167848, MedGen C0878544, MONDO:0004994, HP:0001638. Inheritance: Various modes of inheritance.
Catecholaminergic polymorphic ventricular tachycardia 1. Also called: VENTRICULAR TACHYCARDIA, CATECHOLAMINERGIC POLYMORPHIC, 1, WITH OR WITHOUT ATRIAL DYSFUNCTION AND/OR DILATED CARDIOMYOPATHY; VENTRICULAR TACHYCARDIA, STRESS-INDUCED POLYMORPHIC 1; RYR2-Related Catecholaminergic Polymorphic Ventricular Tachycardia. Identifiers: Orphanet 3286, MedGen C1631597, MONDO:0011484, OMIM 604772.
Cardiovascular phenotype. Identifiers: MedGen CN230736.

Submissions (3):

Color Diagnostics, LLC DBA Color Health
Classification: Uncertain significance for Cardiomyopathy. Last evaluated: 2025-09-22. Review status: criteria provided, single submitter. Criteria: ACMG Guidelines, 2015. Collection method: clinical testing. Allele origin: germline.
Comment: This variant causes a deletion of lysine at codon 4687 in the RYR2 protein. To our knowledge, functional studies have not been reported for this variant. This variant has not been reported in individuals affected with RYR2-related disorders in the literature. This variant has been identified in 1/246048 chromosomes in the general population by the Genome Aggregation Database (gnomAD). The available evidence is insufficient to determine the role of this variant in disease conclusively. Therefore, this variant is classified as a Variant of Uncertain Significance.

Labcorp Genetics (formerly Invitae), Labcorp
Classification: Uncertain significance for Catecholaminergic polymorphic ventricular tachycardia 1. Last evaluated: 2025-04-20. Review status: criteria provided, single submitter. Criteria: Invitae Variant Classification Sherloc (09022015). Collection method: clinical testing. Allele origin: germline.
Comment: This variant, c.14059_14061del, results in the deletion of 1 amino acid(s) of the RYR2 protein (p.Lys4687del), but otherwise preserves the integrity of the reading frame. This variant is present in population databases (no rsID available, gnomAD 0.0009%). This variant has not been reported in the literature in individuals affected with RYR2-related conditions. Experimental studies and prediction algorithms are not available or were not evaluated, and the functional significance of this variant is currently unknown. In summary, the available evidence is currently insufficient to determine the role of this variant in disease. Therefore, it has been classified as a Variant of Uncertain Significance.

Ambry Genetics
Classification: Uncertain significance for Cardiovascular phenotype. Last evaluated: 2023-11-29. Review status: criteria provided, single submitter. Criteria: Ambry Variant Classification Scheme 2023. Collection method: clinical testing. Allele origin: germline.
Comment: The c.14059_14061delAAG variant (also known as p.K4687del) is located in coding exon 97 of the RYR2 gene. This variant results from an in-frame AAG deletion at nucleotide positions 14059 to 14061. This results in the in-frame deletion of a lysine at codon 4687. This amino acid position is highly conserved in available vertebrate species. In addition, the in silico prediction for this alteration is inconclusive (Choi Y et al. PLoS ONE. 2012; 7(10):e46688). Since supporting evidence is limited at this time, the clinical significance of this alteration remains unclear.